The following is an entry in ClinVar:

NM_001253697.2(ERBIN):c.1883C>T (p.Ala628Val)

Gene: ERBIN (erbb2 interacting protein; plus strand). Cytogenetic location: 5q12.3.
Variant type: single nucleotide variant.
Coding change: c.1883C>T on transcript NM_001253697.2 (MANE Select); coding-DNA position 1883, C replaced by T.
Protein change: p.Ala628Val; replaces alanine 628 with valine.
Molecular consequence: missense variant.
Genome position (GRCh38, 1-based): chr5:66,048,761, C>T. VCF-style: chr5-66048761-C-T. GRCh37 (hg19) VCF-style: chr5-65344589-C-T.
Other names: c.1883C>T, p.Ala628Val (NM_001006600.3, NM_001253698.2, NM_001253699.2 and 1 more transcripts); c.1871C>T, p.Ala624Val (NM_001253701.2); short protein forms A624V, A628V.
Identifiers: ClinVar variation 1380078 (VCV001380078.6), dbSNP rs142201440, ClinGen allele CA3286368.

ClinVar aggregate classification (germline): Uncertain significance (1 of 4 stars; one submission).

Allele frequency attached by ClinVar (database versions not stated): gnomAD exomes 0.00001; ExAC 0.00002; gnomAD 0.00007 and 0.00009; TOPMed 0.00009; ESP Exome Variant Server 0.00015.
gnomAD v4.1: 20 of 1,595,956 alleles (0.0013%); highest among the groups gnomAD compares: African/African-American, 0.026%; no homozygotes.

Submission:

Labcorp Genetics (formerly Invitae), Labcorp
Classification: Uncertain significance. Last evaluated: 2025-07-27. Review status: criteria provided, single submitter. Criteria: Invitae Variant Classification Sherloc (09022015). Collection method: clinical testing. Allele origin: germline.
Comment: This sequence change replaces alanine, which is neutral and non-polar, with valine, which is neutral and non-polar, at codon 628 of the ERBIN protein (p.Ala628Val). This variant is present in population databases (rs142201440, gnomAD 0.02%). This variant has not been reported in the literature in individuals affected with ERBIN-related conditions. ClinVar contains an entry for this variant (Variation ID: 1380078). An algorithm developed to predict the effect of missense changes on protein structure and function (PolyPhen-2) suggests that this variant is likely to be disruptive. In summary, the available evidence is currently insufficient to determine the role of this variant in disease. Therefore, it has been classified as a Variant of Uncertain Significance.